The following is an entry in ClinVar:

NM_015331.3(NCSTN):c.1248_1249delinsGT (p.Asn417Tyr)

Gene: NCSTN (nicastrin; plus strand). Cytogenetic location: 1q23.2.
Variant type: Indel.
Coding change: c.1248_1249delinsGT on transcript NM_015331.3 (MANE Select); coding-DNA positions 1248 to 1249, AA replaced by GT.
Protein change: p.Asn417Tyr; replaces asparagine 417 with tyrosine.
Molecular consequence: missense variant.
Genome position (GRCh38, 1-based): chr1:160,354,186-160,354,187, AA replaced by GT. VCF-style: chr1-160354186-AA-GT. GRCh37 (hg19) VCF-style: chr1-160323976-AA-GT.
Other names: c.1188_1189delinsGT, p.Asn397Tyr (NM_001290184.2); c.834_835delinsGT, p.Asn279Tyr (NM_001290186.2); c.1248_1249delinsGT, p.Asn417Tyr (NM_001349729.2); short protein forms N397Y, N279Y, N417Y.
Identifiers: ClinVar variation 2074842 (VCV002074842.4), dbSNP rs2525541424, ClinGen allele CA2580061288.

ClinVar aggregate classification (germline): Uncertain significance (1 of 4 stars; one submission).

Submission:

Labcorp Genetics (formerly Invitae), Labcorp
Classification: Uncertain significance. Last evaluated: 2022-06-04. Review status: criteria provided, single submitter. Criteria: Invitae Variant Classification Sherloc (09022015). Collection method: clinical testing. Allele origin: germline.
Comment: This sequence change replaces asparagine, which is neutral and polar, with tyrosine, which is neutral and polar, at codon 417 of the NCSTN protein (p.Asn417Tyr). Information on the frequency of this variant in the gnomAD database is not available, as this variant may be reported differently in the database. This variant has not been reported in the literature in individuals affected with NCSTN-related conditions. Experimental studies and prediction algorithms are not available or were not evaluated, and the functional significance of this variant is currently unknown. In summary, the available evidence is currently insufficient to determine the role of this variant in disease. Therefore, it has been classified as a Variant of Uncertain Significance.